The following is an entry in ClinVar:

NM_001384950.1(NLRC5):c.5004-59G>C

Gene: NLRC5 (NLR family CARD domain containing 5; plus strand). Cytogenetic location: 16q13.
Variant type: single nucleotide variant.
Coding change: c.5004-59G>C on transcript NM_001384950.1 (MANE Select); 59 bases into the intron before coding-DNA position 5004, G replaced by C.
Molecular consequence: intron variant.
Genome position (GRCh38, 1-based): chr16:57,077,884, G>C. VCF-style: chr16-57077884-G-C. GRCh37 (hg19) VCF-style: chr16-57111796-G-C.
Other names: c.4920-59G>C (NM_001384954.1); c.5001-59G>C (NM_001384953.1, NM_001384952.1); c.4914-59G>C (NM_001384957.1); c.4917-59G>C (NM_001384956.1, NM_001384951.1, NM_001384955.1 and 1 more transcripts); c.4827-59G>C (NM_001384959.1); c.5004-59G>C (NM_032206.5); c.4830-59G>C (NM_001384958.1); c.4743-59G>C (NM_001384960.1).
Identifiers: ClinVar variation 103203 (VCV000103203.2), dbSNP rs199476015, ClinGen allele CA230252.

ClinVar aggregate classification (germline): not provided (0 of 4 stars; one submission).

Allele frequency attached by ClinVar (database versions not stated): TOPMed 0.00006; 1000 Genomes Project 30x 0.00016; 1000 Genomes Project 0.00020.
gnomAD v4.1: 19 of 1,606,304 alleles (0.0012%); highest among the groups gnomAD compares: African/African-American, 0.025%; no homozygotes.

Submission:

Human Evolutionary Genetics, Institut Pasteur
No classification provided. Review status: no classification provided. Collection method: not provided. Allele origin: germline.
ClinVar note: Converted during submission from untested to not provided.